The following is an entry in ClinVar:

ClinVar aggregate classification (germline): Uncertain significance (1 of 4 stars; one submission).

Submission:

Ambry Genetics
Classification: Uncertain significance. Last evaluated: 2023-04-03. Review status: criteria provided, single submitter. Criteria: Ambry Variant Classification Scheme 2023. Collection method: clinical testing. Allele origin: germline.
Comment: The p.K1714E variant (also known as c.5140A>G), located in coding exon 4 of the ALPK2 gene, results from an A to G substitution at nucleotide position 5140. The lysine at codon 1714 is replaced by glutamic acid, an amino acid with similar properties. This amino acid position is conserved. In addition, this alteration is predicted to be tolerated by in silico analysis. Since supporting evidence is limited at this time, the clinical significance of this alteration remains unclear.

NM_052947.4(ALPK2):c.5140A>G (p.Lys1714Glu)

Genes: ALPK2 (alpha kinase 2; minus strand), LOC130062577 (ATAC-STARR-seq lymphoblastoid active region 13389; plus strand). Cytogenetic location: 18q21.31.
Variant type: single nucleotide variant.
Coding change: c.5140A>G on transcript NM_052947.4 (MANE Select); coding-DNA position 5140, A replaced by G.
Protein change: p.Lys1714Glu; replaces lysine 1714 with glutamic acid.
Molecular consequence: missense variant.
Genome position (GRCh38, 1-based): chr18:58,535,047, T>C on the plus strand (A>G on the coding strand, the complement: ALPK2 is on the minus strand). VCF-style: chr18-58535047-T-C. GRCh37 (hg19) VCF-style: chr18-56202279-T-C.
Other names: short protein forms K1714E.
Identifiers: ClinVar variation 2564050 (VCV002564050.2), dbSNP rs2518873409, ClinGen allele CA402557936.